The following is an entry in ClinVar:

ClinVar aggregate classification (germline): Uncertain significance. Review status: criteria provided, multiple submitters, no conflicts (2 of 4 stars). 2 submissions from 2 submitters: Uncertain significance (2). Last evaluated 2024-06-12.

Allele frequency attached by ClinVar (database versions not stated): gnomAD exomes below 0.00001.

Submissions (2):

Ambry Genetics
Classification: Uncertain significance. Last evaluated: 2024-06-12. Review status: criteria provided, single submitter. Criteria: Ambry Variant Classification Scheme 2023. Collection method: clinical testing. Allele origin: germline.
Comment: The p.I278T variant (also known as c.833T>C), located in coding exon 9 of the FAM175A gene, results from a T to C substitution at nucleotide position 833. The isoleucine at codon 278 is replaced by threonine, an amino acid with similar properties. This amino acid position is conserved. In addition, this alteration is predicted to be tolerated by in silico analysis. Based on the available evidence, the clinical significance of this variant remains unclear.

GeneDx
Classification: Uncertain significance. Last evaluated: 2014-02-05. Review status: criteria provided, single submitter. Criteria: GeneDx Variant Classification (06012015). Collection method: clinical testing. Allele origin: germline. Affected: yes.
Comment: FAM175A has been only recently described in association with cancer predisposition and the risks are not well understood. This variant is denoted FAM175A c.833T>C at the cDNA level, p.Ile278Thr (I278T) at the protein level, and results in the change of an Isoleucine to a Threonine (ATT>ACT). This variant has not, to our knowledge, been published in the literature as pathogenic or benign. FAM175A Ile278Thr was not observed in approximately 6,500 individuals of European and African American ancestry in the NHLBI Exome Sequencing Project, indicating it is not a common benign variant in these populations. This variant is a non-conservative substitution in which a neutral non-polar amino acid is replaced with a neutral polar one, altering a position that is moderately conserved throughout evolution and is not located in a known functional domain. In silico analyses predict this variant to have a benign effect on protein structure and function. On a molecular level, the impact of this missense variant on protein structure and function is not known and thus we consider this to be a variant of uncertain significance. Furthermore, based on the currently available information, cancer risks associated with this variant, and the FAM175A gene, remain unclear.

NM_139076.3(ABRAXAS1):c.833T>C (p.Ile278Thr)

Gene: ABRAXAS1 (abraxas 1, BRCA1 A complex subunit; minus strand). Cytogenetic location: 4q21.23.
Variant type: single nucleotide variant.
Coding change: c.833T>C on transcript NM_139076.3 (MANE Select); coding-DNA position 833, T replaced by C.
Protein change: p.Ile278Thr; replaces isoleucine 278 with threonine.
Molecular consequence: missense variant.
Genome position (GRCh38, 1-based): chr4:83,462,866, A>G on the plus strand (T>C on the coding strand, the complement: ABRAXAS1 is on the minus strand). VCF-style: chr4-83462866-A-G. GRCh37 (hg19) VCF-style: chr4-84384019-A-G.
Other names: p.I278T:ATT>ACT; c.506T>C, p.Ile169Thr (NM_001345962.2); short protein forms I278T, I169T.
Identifiers: ClinVar variation 128226 (VCV000128226.3), dbSNP rs587780267, ClinGen allele CA288654.
Genomic context (GRCh38, chr4:83,462,866, plus strand): 5'-ACACATGAATGAAGAAATTCAGAATTTGGAAAAAAGGTCCGTAATGCCTGACAAAGAAAA[A>G]TGTTCTCCTGAGGGTCTTTTTGGATGTTCTTCTCTCCTAAACAAAATAGAATAACAGTTC-3'
Protein context (NP_620775.2, residues 268-288): KNIQKDPQEN[Ile278Thr]FLCQALRTFF